The following is an entry in ClinVar:

NM_000038.6(APC):c.4415_4431del (p.Val1472fs)

Gene: APC (APC regulator of Wnt signaling pathway; plus strand). Cytogenetic location: 5q22.2.
Variant type: Deletion.
Coding change: c.4415_4431del on transcript NM_000038.6 (MANE Select); coding-DNA positions 4415 to 4431, 17 bases deleted (TAAATGCTGCAGTTCAG).
Protein change: p.Val1472fs; shifts the reading frame from valine 1472.
Molecular consequence: frameshift variant.
Genome position (GRCh38, 1-based): chr5:112,840,009-112,840,025, TAAATGCTGCAGTTCAG deleted; deleting any 17 consecutive bases within chr5:112,840,006-112,840,025 gives the same sequence; the c. name uses the placement nearest the transcript's 3' end. VCF-style (leftmost placement, unchanged base first): chr5-112840005-GCAGTAAATGCTGCAGTT-G. GRCh37 (hg19) VCF-style: chr5-112175702-GCAGTAAATGCTGCAGTT-G.
Other names: c.4415_4431del, p.Val1472fs (NM_001127510.3, NM_001354895.2); c.4361_4377del, p.Val1454fs (NM_001127511.3); c.4469_4485del, p.Val1490fs (NM_001354896.2); c.4445_4461del, p.Val1482fs (NM_001354897.2); c.4340_4356del, p.Val1447fs (NM_001354898.2); c.4331_4347del, p.Val1444fs (NM_001354899.2); c.4292_4308del, p.Val1431fs (NM_001354900.2); c.4238_4254del, p.Val1413fs (NM_001354901.2); and 16 more; short protein forms V1346fs, V1444fs, V1454fs, V1482fs, V1312fs, V1381fs, V1413fs, V1431fs.
Identifiers: ClinVar variation 2003372 (VCV002003372.4), dbSNP rs2533573269, ClinGen allele CA2580072511.

ClinVar aggregate classification (germline): Pathogenic (1 of 4 stars; one submission).

Conditions:
Familial adenomatous polyposis 1 (FAP1). Also called: POLYPOSIS, ADENOMATOUS INTESTINAL; FAMILIAL ADENOMATOUS POLYPOSIS 1, ATTENUATED. Identifiers: MedGen C2713442, MONDO:0021056, OMIM 175100. Disease mechanism: loss of function.

Submission:

Labcorp Genetics (formerly Invitae), Labcorp
Classification: Pathogenic for Familial adenomatous polyposis 1. Last evaluated: 2022-06-08. Review status: criteria provided, single submitter. Criteria: Invitae Variant Classification Sherloc (09022015). Collection method: clinical testing. Allele origin: germline.
Comment: This variant is expected to disrupt the EB1 and HDLG binding sites, which mediate interactions with the cytoskeleton (PMID: 15311282, 17293347). While functional studies have not been performed to directly test the effect on APC protein function, this suggests that disruption of the C-terminal portion of the protein is functionally important. For these reasons, this variant has been classified as Pathogenic. A different truncation (p.Tyr2645Lysfs*14) that lies downstream of this variant has been determined to be pathogenic (PMID: 9824584, 1316610, 27081525, 8381579, 22135120, Invitae). This suggests that deletion of this region of the APC protein is causative of disease. This variant has not been reported in the literature in individuals affected with APC-related conditions. This variant is not present in population databases (gnomAD no frequency). This sequence change creates a premature translational stop signal (p.Val1472Glufs*9) in the APC gene. While this is not anticipated to result in nonsense mediated decay, it is expected to disrupt the last 1372 amino acid(s) of the APC protein.

Literature cited by the submitters: PubMed 15311282; PubMed 17293347; PubMed 9824584; PubMed 1316610; PubMed 27081525; PubMed 8381579; PubMed 22135120.